The following is an entry in ClinVar:

ClinVar aggregate classification (germline): Uncertain significance (1 of 4 stars; one submission).

Submission:

Mayo Clinic Laboratories, Mayo Clinic
Classification: Uncertain significance. Last evaluated: 2025-02-20. Review status: criteria provided, single submitter. Criteria: ACMG Guidelines, 2015. Collection method: clinical testing. Allele origin: germline. Observed: 1 variant allele.
Comment: BP4, PM2_supporting

NM_001079802.2(FKTN):c.812T>C (p.Val271Ala)

Gene: FKTN (fukutin; plus strand). Cytogenetic location: 9q31.2.
Variant type: single nucleotide variant.
Coding change: c.812T>C on transcript NM_001079802.2 (MANE Select); coding-DNA position 812, T replaced by C.
Protein change: p.Val271Ala; replaces valine 271 with alanine.
Molecular consequence: missense variant. On other transcripts: non-coding transcript variant (1).
Genome position (GRCh38, 1-based): chr9:105,615,309, T>C. VCF-style: chr9-105615309-T-C. GRCh37 (hg19) VCF-style: chr9-108377590-T-C.
Other names: p.Val271Ala; c.812T>C, p.Val271Ala (NM_001198963.2, NM_001351496.2, NM_001351498.2 and 1 more transcripts); c.743T>C, p.Val248Ala (NM_001351497.2); c.416T>C, p.Val139Ala (NM_001351499.2, NM_001351500.2, NM_001351501.2 and 1 more transcripts); short protein forms V271A, V139A, V248A.
Identifiers: ClinVar variation 4541462 (VCV004541462.1).
Genomic context (GRCh38, chr9:105,615,309, plus strand): 5'-TAATAGCTGACTATTTATTATATCTGTAGCAGTACCTTGATGATAACACTGTGGAAGCTG[T>C]GGCCTTTCGGAAGAGTGCAAAGGAATTACTGCAACTAGCAGCGAAAACATTAAACAAATT-3'
Protein context (NP_001073270.1, residues 261-281): QYLDDNTVEA[Val271Ala]AFRKSAKELL